The following is an entry in ClinVar:

ClinVar aggregate classification (germline): Uncertain significance (1 of 4 stars; one submission).

Conditions:
Adams-Oliver syndrome 5 (AOS5). Identifiers: Orphanet 974, MedGen C4014970, MONDO:0014459, OMIM 616028.

Submission:

Labcorp Genetics (formerly Invitae), Labcorp
Classification: Uncertain significance for Adams-Oliver syndrome 5. Last evaluated: 2023-10-14. Review status: criteria provided, single submitter. Criteria: Invitae Variant Classification Sherloc (09022015). Collection method: clinical testing. Allele origin: unknown.
Comment: This variant results in a copy number gain of the genomic region encompassing exon(s) 3-34 of the NOTCH1 gene. This region includes the termination codon of the gene. This copy number gain extends beyond the assayed region for this gene and therefore may encompass additional genes. As the precise location of this event is unknown, it may be in tandem or it may be located elsewhere in the genome. This variant has not been reported in the literature in individuals affected with NOTCH1-related conditions. In summary, the available evidence is currently insufficient to determine the role of this variant in disease. Therefore, it has been classified as a Variant of Uncertain Significance.

NC_000009.11:g.(?_139390523)_(139418451_?)dup

Gene: NOTCH1 (notch receptor 1; minus strand). Cytogenetic location: 9q34.3.
Variant type: Duplication.
Identifiers: ClinVar variation 3245278 (VCV003245278.1).